The following is an entry in ClinVar:

NM_014956.5(CEP164):c.1052C>T (p.Thr351Ile)

Gene: CEP164 (centrosomal protein 164; plus strand). Cytogenetic location: 11q23.3.
Variant type: single nucleotide variant.
Coding change: c.1052C>T on transcript NM_014956.5 (MANE Select); coding-DNA position 1052, C replaced by T.
Protein change: p.Thr351Ile; replaces threonine 351 with isoleucine.
Molecular consequence: missense variant.
Genome position (GRCh38, 1-based): chr11:117,371,366, C>T. VCF-style: chr11-117371366-C-T. GRCh37 (hg19) VCF-style: chr11-117242082-C-T.
Other names: c.1052C>T, p.Thr351Ile (NM_001271933.2); short protein forms T351I.
Identifiers: ClinVar variation 2709679 (VCV002709679.3), dbSNP rs2541195979, ClinGen allele CA382737819.

ClinVar aggregate classification (germline): Uncertain significance (1 of 4 stars; one submission).

Conditions:
Nephronophthisis 15 (NPHP15). Identifiers: Orphanet 3156, MedGen C3541853, MONDO:0013917, OMIM 614845.

Allele frequency attached by ClinVar (database versions not stated): gnomAD exomes below 0.00001.

Submission:

Labcorp Genetics (formerly Invitae), Labcorp
Classification: Uncertain significance for Nephronophthisis 15. Last evaluated: 2024-01-16. Review status: criteria provided, single submitter. Criteria: Invitae Variant Classification Sherloc (09022015). Collection method: clinical testing. Allele origin: germline.
Comment: This sequence change replaces threonine, which is neutral and polar, with isoleucine, which is neutral and non-polar, at codon 351 of the CEP164 protein (p.Thr351Ile). This variant is not present in population databases (gnomAD no frequency). This variant has not been reported in the literature in individuals affected with CEP164-related conditions. An algorithm developed to predict the effect of missense changes on protein structure and function (PolyPhen-2) suggests that this variant is likely to be tolerated. In summary, the available evidence is currently insufficient to determine the role of this variant in disease. Therefore, it has been classified as a Variant of Uncertain Significance.